The following is an entry in ClinVar:

NM_000384.3(APOB):c.11141C>T (p.Pro3714Leu)

Gene: APOB (apolipoprotein B; minus strand). Cytogenetic location: 2p24.1.
Variant type: single nucleotide variant.
Coding change: c.11141C>T on transcript NM_000384.3 (MANE Select); coding-DNA position 11141, C replaced by T.
Protein change: p.Pro3714Leu; replaces proline 3714 with leucine.
Molecular consequence: missense variant.
Genome position (GRCh38, 1-based): chr2:21,005,727, G>A on the plus strand (C>T on the coding strand, the complement: APOB is on the minus strand). VCF-style: chr2-21005727-G-A. GRCh37 (hg19) VCF-style: chr2-21228599-G-A.
Other names: short protein forms P3714L.
Identifiers: ClinVar variation 1795810 (VCV001795810.2), dbSNP rs1291461148, ClinGen allele CA345983220.

ClinVar aggregate classification (germline): Uncertain significance (1 of 4 stars; one submission).

Conditions:
Cardiovascular phenotype. Identifiers: MedGen CN230736.

Submission:

Ambry Genetics
Classification: Uncertain significance for Cardiovascular phenotype. Last evaluated: 2021-08-10. Review status: criteria provided, single submitter. Criteria: Ambry Variant Classification Scheme 2023. Collection method: clinical testing. Allele origin: germline.
Comment: The p.P3714L variant (also known as c.11141C>T), located in coding exon 26 of the APOB gene, results from a C to T substitution at nucleotide position 11141. The proline at codon 3714 is replaced by leucine, an amino acid with similar properties. This amino acid position is conserved. In addition, this alteration is predicted to be tolerated by in silico analysis. Since supporting evidence is limited at this time, the clinical significance of this alteration remains unclear.